The following is an entry in ClinVar:

ClinVar aggregate classification (germline): Uncertain significance. Review status: criteria provided, multiple submitters, no conflicts (2 of 4 stars). 2 submissions from 2 submitters: Uncertain significance (2). Last evaluated 2023-12-23.

Allele frequency attached by ClinVar (database versions not stated): gnomAD 0.00002; TOPMed 0.00002.
gnomAD v4.1: 5 of 1,612,498 alleles (0.00031%); highest among the groups gnomAD compares: African/African-American, 0.0013%; no homozygotes.

Submissions (2):

Ambry Genetics
Classification: Uncertain significance. Last evaluated: 2023-12-23. Review status: criteria provided, single submitter. Criteria: Ambry Variant Classification Scheme 2023. Collection method: clinical testing. Allele origin: germline.
Comment: The p.N555H variant (also known as c.1663A>C), located in coding exon 13 of the NPAT gene, results from an A to C substitution at nucleotide position 1663. The asparagine at codon 555 is replaced by histidine, an amino acid with similar properties. This amino acid position is conserved. In addition, this alteration is predicted to be tolerated by in silico analysis. Since supporting evidence is limited at this time, the clinical significance of this alteration remains unclear.

Labcorp Genetics (formerly Invitae), Labcorp
Classification: Uncertain significance. Last evaluated: 2023-04-25. Review status: criteria provided, single submitter. Criteria: Invitae Variant Classification Sherloc (09022015). Collection method: clinical testing. Allele origin: germline.
Comment: In summary, the available evidence is currently insufficient to determine the role of this variant in disease. Therefore, it has been classified as a Variant of Uncertain Significance. An algorithm developed to predict the effect of missense changes on protein structure and function (PolyPhen-2) suggests that this variant is likely to be tolerated. ClinVar contains an entry for this variant (Variation ID: 1777524). This variant has not been reported in the literature in individuals affected with NPAT-related conditions. This variant is not present in population databases (gnomAD no frequency). This sequence change replaces asparagine, which is neutral and polar, with histidine, which is basic and polar, at codon 555 of the NPAT protein (p.Asn555His).

NM_002519.3(NPAT):c.1663A>C (p.Asn555His)

Gene: NPAT (nuclear protein, coactivator of histone transcription; minus strand). Cytogenetic location: 11q22.3.
Variant type: single nucleotide variant.
Coding change: c.1663A>C on transcript NM_002519.3 (MANE Select); coding-DNA position 1663, A replaced by C.
Protein change: p.Asn555His; replaces asparagine 555 with histidine.
Molecular consequence: missense variant.
Genome position (GRCh38, 1-based): chr11:108,173,321, T>G on the plus strand (A>C on the coding strand, the complement: NPAT is on the minus strand). VCF-style: chr11-108173321-T-G. GRCh37 (hg19) VCF-style: chr11-108044048-T-G.
Other names: c.1663A>C, p.Asn555His (NM_001321307.1); short protein forms N555H.
Identifiers: ClinVar variation 1777524 (VCV001777524.5), dbSNP rs1268309567, ClinGen allele CA382514642.